The following is an entry in ClinVar:

ClinVar aggregate classification (germline): Uncertain significance (1 of 4 stars; one submission).

Conditions:
PLXNA2-related disorder. Also called: PLXNA2-related condition.

gnomAD v4.1: 10 of 1,613,972 alleles (0.00062%); highest among the groups gnomAD compares: South Asian, 0.0033%; no homozygotes.

Submission:

PreventionGenetics, part of Exact Sciences
Classification: Uncertain significance for PLXNA2-related condition. Last evaluated: 2024-12-05. Review status: criteria provided, single submitter. Criteria: ACMG Guidelines, 2015. Collection method: clinical testing. Allele origin: germline.
Comment: The PLXNA2 c.2888G>A variant is predicted to result in the amino acid substitution p.Arg963Gln. To our knowledge, this variant has not been reported in the literature. This variant is reported in 0.0065% of alleles in individuals of South Asian descent in gnomAD. At this time, the clinical significance of this variant is uncertain due to the absence of conclusive functional and genetic evidence.

NM_025179.4(PLXNA2):c.2888G>A (p.Arg963Gln)

Gene: PLXNA2 (plexin A2; minus strand). Cytogenetic location: 1q32.2.
Variant type: single nucleotide variant.
Coding change: c.2888G>A on transcript NM_025179.4 (MANE Select); coding-DNA position 2888, G replaced by A.
Protein change: p.Arg963Gln; replaces arginine 963 with glutamine.
Molecular consequence: missense variant.
Genome position (GRCh38, 1-based): chr1:208,052,432, C>T on the plus strand (G>A on the coding strand, the complement: PLXNA2 is on the minus strand). VCF-style: chr1-208052432-C-T. GRCh37 (hg19) VCF-style: chr1-208225777-C-T.
Other names: short protein forms R963Q.
Identifiers: ClinVar variation 4990297 (VCV004990297.1).